The following is an entry in ClinVar:

NM_001042545.2(LTBP4):c.3551G>A (p.Arg1184Gln)

Gene: LTBP4 (latent transforming growth factor beta binding protein 4; plus strand). Cytogenetic location: 19q13.2.
Variant type: single nucleotide variant.
Coding change: c.3551G>A on transcript NM_001042545.2 (MANE Select); coding-DNA position 3551, G replaced by A.
Protein change: p.Arg1184Gln; replaces arginine 1184 with glutamine.
Molecular consequence: missense variant.
Genome position (GRCh38, 1-based): chr19:40,623,016, G>A. VCF-style: chr19-40623016-G-A. GRCh37 (hg19) VCF-style: chr19-41128921-G-A.
Other names: c.3641G>A, p.Arg1214Gln (NM_003573.2); c.3752G>A, p.Arg1251Gln (NM_001042544.1); short protein forms R1214Q, R1184Q, R1251Q.
Identifiers: ClinVar variation 4778999 (VCV004778999.1).
Genomic context (GRCh38, chr19:40,623,016, plus strand): 5'-ACCAGTCATTGTGCCCTCACGGCCGGGGCTACCTGGCGCCCAGTGGAGACCTGAGCCTCC[G>A]GAGAGGTGAGGCCAGCCTTTGACCCTCCACCCCACTCAGCTCTGAGGCCCAGCTTCGTCT-3'
Protein context (NP_001036010.1, residues 1174-1194): YLAPSGDLSL[Arg1184Gln]RDVDECQLFR

ClinVar aggregate classification (germline): Uncertain significance (1 of 4 stars; one submission).

Submission:

Labcorp Genetics (formerly Invitae), Labcorp
Classification: Uncertain significance. Last evaluated: 2025-10-03. Review status: criteria provided, single submitter. Criteria: Invitae Variant Classification Sherloc (09022015). Collection method: clinical testing. Allele origin: germline.
Comment: This sequence change replaces arginine, which is basic and polar, with glutamine, which is neutral and polar, at codon 1214 of the LTBP4 protein (p.Arg1214Gln). The frequency data for this variant in the population databases is considered unreliable, as metrics indicate poor data quality at this position in the gnomAD database. This variant has not been reported in the literature in individuals affected with LTBP4-related conditions. Experimental studies and prediction algorithms are not available or were not evaluated, and the functional significance of this variant is currently unknown. In summary, the available evidence is currently insufficient to determine the role of this variant in disease. Therefore, it has been classified as a Variant of Uncertain Significance.